The following is an entry in ClinVar:

ClinVar aggregate classification (germline): Pathogenic (1 of 4 stars; one submission).

Conditions:
Spastic paraplegia. Identifiers: MedGen C0037772, HP:0001258.

Submission:

Labcorp Genetics (formerly Invitae), Labcorp
Classification: Pathogenic for Spastic paraplegia. Last evaluated: 2025-12-31. Review status: criteria provided, single submitter. Criteria: Invitae Variant Classification Sherloc (09022015). Collection method: clinical testing. Allele origin: germline.
Comment: This sequence change creates a premature translational stop signal (p.Thr427Hisfs*45) in the CYP7B1 gene. While this is not anticipated to result in nonsense mediated decay, it is expected to disrupt the last 80 amino acid(s) of the CYP7B1 protein. This variant is not present in population databases (gnomAD no frequency). This variant has not been reported in the literature in individuals affected with CYP7B1-related conditions. This variant disrupts a region of the CYP7B1 protein in which other variant(s) (p.Arg486Cys) have been determined to be pathogenic (PMID: 19439320, 21541746, 21623769, 24117163). This suggests that this is a clinically significant region of the protein, and that variants that disrupt it are likely to be disease-causing. For these reasons, this variant has been classified as Pathogenic.

Literature cited by the submitters: PubMed 19439320; PubMed 21541746; PubMed 21623769; PubMed 24117163.

NM_004820.5(CYP7B1):c.1278dup (p.Thr427fs)

Gene: CYP7B1 (cytochrome P450 family 7 subfamily B member 1; minus strand). Cytogenetic location: 8q12.3.
Variant type: Duplication.
Coding change: c.1278dup on transcript NM_004820.5 (MANE Select); coding-DNA position 1278, one base duplicated (C; older notation c.1278dupC).
Protein change: p.Thr427fs; shifts the reading frame from threonine 427.
Molecular consequence: frameshift variant. On other transcripts: intron variant (1).
Genome position (GRCh38, 1-based): chr8:64,596,885, G duplicated on the plus strand (C on the coding strand, the reverse complement: CYP7B1 is on the minus strand); the first of 2 consecutive G bases (chr8:64,596,885-64,596,886); duplicating either gives the same sequence. VCF-style (leftmost placement, unchanged base first): chr8-64596884-T-TG. GRCh37 (hg19) VCF-style: chr8-65509441-T-TG.
Other names: c.1234-7041dup (NM_001324112.2); short protein forms T427fs.
Identifiers: ClinVar variation 4734503 (VCV004734503.1).